The following is an entry in ClinVar:

NM_001256545.2(MEGF10):c.833C>T (p.Ser278Phe)

Gene: MEGF10 (multiple EGF like domains 10; plus strand). Cytogenetic location: 5q23.2.
Variant type: single nucleotide variant.
Coding change: c.833C>T on transcript NM_001256545.2 (MANE Select); coding-DNA position 833, C replaced by T.
Protein change: p.Ser278Phe; replaces serine 278 with phenylalanine.
Molecular consequence: missense variant.
Genome position (GRCh38, 1-based): chr5:127,402,598, C>T. VCF-style: chr5-127402598-C-T. GRCh37 (hg19) VCF-style: chr5-126738290-C-T.
Other names: c.833C>T, p.Ser278Phe (NM_001308119.2, NM_001308121.2, NM_032446.3); short protein forms S278F.
Identifiers: ClinVar variation 1518686 (VCV001518686.6), dbSNP rs1301558900, ClinGen allele CA360722347.

ClinVar aggregate classification (germline): Uncertain significance (1 of 4 stars; one submission).

Conditions:
MEGF10-related myopathy (CMYO10A). Also called: Congenital myopathy 10A, severe variant. Identifiers: Orphanet 439212, MedGen C3280679, MONDO:0013731, OMIM 614399.

Allele frequency attached by ClinVar (database versions not stated): gnomAD exomes below 0.00001; gnomAD 0.00001; TOPMed 0.00001.
gnomAD v4.1: 5 of 1,613,940 alleles (0.00031%); highest among the groups gnomAD compares: Non-Finnish European, 0.00042%; no homozygotes.

Submission:

Labcorp Genetics (formerly Invitae), Labcorp
Classification: Uncertain significance for MEGF10-related myopathy. Last evaluated: 2022-01-10. Review status: criteria provided, single submitter. Criteria: Invitae Variant Classification Sherloc (09022015). Collection method: clinical testing. Allele origin: germline.
Comment: This sequence change replaces serine, which is neutral and polar, with phenylalanine, which is neutral and non-polar, at codon 278 of the MEGF10 protein (p.Ser278Phe). This variant is not present in population databases (gnomAD no frequency). This variant has not been reported in the literature in individuals affected with MEGF10-related conditions. Algorithms developed to predict the effect of missense changes on protein structure and function (SIFT, PolyPhen-2, Align-GVGD) all suggest that this variant is likely to be disruptive. In summary, the available evidence is currently insufficient to determine the role of this variant in disease. Therefore, it has been classified as a Variant of Uncertain Significance.